The following is an entry in ClinVar:

NM_016222.4(DDX41):c.211del (p.Arg71fs)

Gene: DDX41 (DEAD-box helicase 41; minus strand). Cytogenetic location: 5q35.3.
Variant type: Deletion.
Coding change: c.211del on transcript NM_016222.4 (MANE Select); coding-DNA position 211, one base deleted (C; older notation c.211delC).
Protein change: p.Arg71fs; shifts the reading frame from arginine 71.
Molecular consequence: frameshift variant. On other transcripts: 5 prime UTR variant (2).
Genome position (GRCh38, 1-based): chr5:177,516,375, G deleted on the plus strand (C on the coding strand, the reverse complement: DDX41 is on the minus strand); the first of 4 consecutive G bases (chr5:177,516,375-177,516,378); deleting any one gives the same sequence. VCF-style (leftmost placement, unchanged base first): chr5-177516374-CG-C. GRCh37 (hg19) VCF-style: chr5-176943375-CG-C.
Other names: c.-168del (NM_001321732.2, NM_001321830.2); short protein forms R71fs.
Identifiers: ClinVar variation 4238806 (VCV004238806.1).

ClinVar aggregate classification (germline): Pathogenic (1 of 4 stars; one submission).

Conditions:
Inborn genetic diseases. Identifiers: MedGen C0950123, MeSH D030342.

Submission:

Ambry Genetics
Classification: Pathogenic for Inborn genetic diseases. Last evaluated: 2025-09-05. Review status: criteria provided, single submitter. Criteria: Ambry Variant Classification Scheme 2023. Collection method: clinical testing. Allele origin: germline.
Comment: The c.211delC pathogenic mutation, located in coding exon 3 of the DDX41 gene, results from a deletion of one nucleotide at nucleotide position 211, causing a translational frameshift with a predicted alternate stop codon (p.R71Gfs*9). This variant is considered to be rare based on population cohorts in the Genome Aggregation Database (gnomAD). This alteration is expected to result in loss of function by premature protein truncation or nonsense-mediated mRNA decay. As such, this alteration is interpreted as a disease-causing mutation.